The following is an entry in ClinVar:

NM_000535.7(PMS2):c.171G>C (p.Lys57Asn)

Gene: PMS2 (PMS1 homolog 2, mismatch repair system component; minus strand). Cytogenetic location: 7p22.1.
Variant type: single nucleotide variant.
Coding change: c.171G>C on transcript NM_000535.7 (MANE Select); coding-DNA position 171, G replaced by C.
Protein change: p.Lys57Asn; replaces lysine 57 with asparagine.
Molecular consequence: missense variant. On other transcripts: 5 prime UTR variant (11), non-coding transcript variant (1).
Genome position (GRCh38, 1-based): chr7:6,004,051, C>G on the plus strand (G>C on the coding strand, the complement: PMS2 is on the minus strand). VCF-style: chr7-6004051-C-G. GRCh37 (hg19) VCF-style: chr7-6043682-C-G.
Other names: c.-235G>C (NM_001322003.2, NM_001322004.2, NM_001322005.2 and 3 more transcripts); c.171G>C, p.Lys57Asn (NM_001322006.2, NM_001322014.2); c.-45G>C (NM_001322007.2, NM_001322008.2); c.-714G>C (NM_001322011.2, NM_001322012.2); c.-314G>C (NM_001322015.2); short protein forms K57N.
Identifiers: ClinVar variation 629271 (VCV000629271.4), dbSNP rs760031402, ClinGen allele CA366744922.

ClinVar aggregate classification (germline): Uncertain significance (1 of 4 stars; one submission).

Conditions:
Hereditary cancer-predisposing syndrome. Also called: Neoplastic Syndromes, Hereditary; Tumor predisposition; Hereditary neoplastic syndrome; Hereditary Cancer Syndrome. Identifiers: Orphanet 140162, MedGen C0027672, MeSH D009386, MONDO:0015356.

Submission:

Color Diagnostics, LLC DBA Color Health
Classification: Uncertain significance for Hereditary cancer-predisposing syndrome. Last evaluated: 2023-12-04. Review status: criteria provided, single submitter. Criteria: ACMG Guidelines, 2015. Collection method: clinical testing. Allele origin: germline.
Comment: This missense variant replaces lysine with asparagine at codon 57 of the PMS2 protein. Computational prediction is inconclusive regarding the impact of this variant on protein structure and function (internally defined REVEL score threshold 0.5 < inconclusive < 0.7, PMID: 27666373). To our knowledge, functional studies have not been reported for this variant. This variant has not been reported in individuals affected with PMS2-related disorders in the literature. This variant has not been identified in the general population by the Genome Aggregation Database (gnomAD). The available evidence is insufficient to determine the role of this variant in disease conclusively. Therefore, this variant is classified as a Variant of Uncertain Significance.